The following is an entry in ClinVar:

NM_007294.4(BRCA1):c.5153-15C>G

Gene: BRCA1 (BRCA1 DNA repair associated; minus strand). Cytogenetic location: 17q21.31.
Variant type: single nucleotide variant.
Coding change: c.5153-15C>G on transcript NM_007294.4 (MANE Select); 15 bases into the intron before coding-DNA position 5153, C replaced by G.
Molecular consequence: intron variant.
Genome position (GRCh38, 1-based): chr17:43,063,388, G>C on the plus strand (C>G on the coding strand, the complement: BRCA1 is on the minus strand). VCF-style: chr17-43063388-G-C. GRCh37 (hg19) VCF-style: chr17-41215405-G-C.
Other names: c.1703-15C>G (NM_001408455.1, NM_001408452.1, NM_001408457.1 and 3 more transcripts); c.5012-15C>G (NM_001407731.1, NM_001407695.1, NM_001407726.1 and 13 more transcripts); c.4943-15C>G (NM_001407889.1, NM_001407884.1, NM_001407879.1 and 5 more transcripts); c.5006-15C>G (NM_001407846.1, NM_001407850.1, NM_001407844.1 and 12 more transcripts); c.1313-15C>G (NM_001408513.1); c.1577-15C>G (NM_001408503.1, NM_001408502.1, NM_001408504.1); c.5009-15C>G (NM_001407943.1, NM_001407748.1, NM_001407752.1 and 21 more transcripts); c.1580-15C>G (NM_001408500.1, NM_001408497.1, NM_001408496.1 and 3 more transcripts); and 72 more.
Identifiers: ClinVar variation 867734 (VCV000867734.3), dbSNP rs2051876236, ClinGen allele CA916080073.

Conditions:
Breast-ovarian cancer, familial, susceptibility to, 1 (BROVCA1). Also called: BRCA1 Hereditary Breast and Ovarian Cancer; OVARIAN CANCER, SUSCEPTIBILITY TO. Identifiers: Orphanet 145, MedGen C2676676, MONDO:0011450, OMIM 604370. Disease mechanism: loss of function.

Submission:

Brotman Baty Institute, University of Washington
No classification provided (evidence only). Condition: Breast-ovarian cancer, familial 1. Review status: no classification provided. Collection method: in vitro. Allele origin: not applicable. Functional consequence: functionally_normal.
ClinVar note: "not provided" was previously submitted as the classification for the variant. However, the classification appeared to be based only on an observation of functional data so it was converted to no classification on 2025-07-30.